The following is an entry in ClinVar:

ClinVar aggregate classification (germline): Conflicting classifications of pathogenicity. Review status: criteria provided, conflicting classifications (1 of 4 stars). 4 submissions from 4 submitters: Uncertain significance (3); Benign (1). Last evaluated 2025-11-28.

Conditions:
COL11A2-related disorder. Also called: COL11A2-related condition; COL11A2-related disorders.

Allele frequency attached by ClinVar (database versions not stated): gnomAD 0.00001 and 0.00002; gnomAD exomes 0.00001 and 0.00002; ExAC 0.00002; TOPMed 0.00002; 1000 Genomes Project 0.00020; 1000 Genomes Project 30x 0.00031.
gnomAD v4.1: 13 of 1,614,022 alleles (0.00081%); highest among the groups gnomAD compares: African/African-American, 0.0093%; no homozygotes.

Submissions (4):

PreventionGenetics, part of Exact Sciences
Classification: Uncertain significance for COL11A2-related condition. Last evaluated: 2025-11-28. Review status: criteria provided, single submitter. Criteria: ACMG Guidelines, 2015. Collection method: clinical testing. Allele origin: germline.
Comment: The COL11A2 c.3182G>A variant is predicted to result in the amino acid substitution p.Arg1061Gln. To our knowledge, this variant has not been reported in the literature. This variant is reported in 0.0062% of alleles in individuals of African descent in gnomAD. At this time, the clinical significance of this variant is uncertain due to the absence of conclusive functional and genetic evidence.

GeneDx
Classification: Uncertain significance. Last evaluated: 2025-09-25. Review status: criteria provided, single submitter. Criteria: GeneDx Variant Classification Process June 2021. Collection method: clinical testing. Allele origin: germline. Affected: yes.
Comment: Not observed at significant frequency in large population cohorts (gnomAD); In silico analysis suggests that this missense variant does not alter protein structure/function; Has not been previously published as pathogenic or benign to our knowledge

Labcorp Genetics (formerly Invitae), Labcorp
Classification: Benign. Last evaluated: 2024-04-25. Review status: criteria provided, single submitter. Criteria: Invitae Variant Classification Sherloc (09022015). Collection method: clinical testing. Allele origin: germline.

Eurofins Ntd Llc (ga)
Classification: Uncertain significance. Last evaluated: 2016-09-05. Review status: criteria provided, single submitter. Criteria: EGL Classification Definitions 2015. Collection method: clinical testing. Allele origin: germline. Observed: 1 variant allele, 1 heterozygote.

NM_080680.3(COL11A2):c.3182G>A (p.Arg1061Gln)

Gene: COL11A2 (collagen type XI alpha 2 chain; minus strand). Cytogenetic location: 6p21.32.
Variant type: single nucleotide variant.
Coding change: c.3182G>A on transcript NM_080680.3 (MANE Select); coding-DNA position 3182, G replaced by A.
Protein change: p.Arg1061Gln; replaces arginine 1061 with glutamine.
Molecular consequence: missense variant.
Genome position (GRCh38, 1-based): chr6:33,171,543, C>T on the plus strand (G>A on the coding strand, the complement: COL11A2 is on the minus strand). VCF-style: chr6-33171543-C-T. GRCh37 (hg19) VCF-style: chr6-33139320-C-T.
Other names: c.2861G>A, p.Arg954Gln (NM_080679.3); c.2924G>A, p.Arg975Gln (NM_080681.3); short protein forms R1061Q, R954Q, R975Q.
Identifiers: ClinVar variation 290761 (VCV000290761.17), dbSNP rs528982644, ClinGen allele CA3750609.